The following is an entry in ClinVar:

NM_007098.4(CLTCL1):c.3425A>G (p.Gln1142Arg)

Gene: CLTCL1 (clathrin heavy chain like 1; minus strand). Cytogenetic location: 22q11.21.
Variant type: single nucleotide variant.
Coding change: c.3425A>G on transcript NM_007098.4 (MANE Select); coding-DNA position 3425, A replaced by G.
Protein change: p.Gln1142Arg; replaces glutamine 1142 with arginine.
Molecular consequence: missense variant.
Genome position (GRCh38, 1-based): chr22:19,208,939, T>C on the plus strand (A>G on the coding strand, the complement: CLTCL1 is on the minus strand). VCF-style: chr22-19208939-T-C. GRCh37 (hg19) VCF-style: chr22-19196449-T-C.
Other names: c.3425A>G, p.Gln1142Arg (NM_001835.4); short protein forms Q1142R.
Identifiers: ClinVar variation 422194 (VCV000422194.5), dbSNP rs182543131, ClinGen allele CA10098107.

ClinVar aggregate classification (germline): Uncertain significance. Review status: criteria provided, multiple submitters, no conflicts (2 of 4 stars). 2 submissions from 2 submitters: Uncertain significance (2). Last evaluated 2021-10-12.

Allele frequency attached by ClinVar (database versions not stated): gnomAD exomes 0.00005 and 0.00016; ExAC 0.00020; ESP Exome Variant Server 0.00041; 1000 Genomes Project 0.00060; 1000 Genomes Project 30x 0.00062; gnomAD 0.00070 and 0.00077; TOPMed 0.00075.
gnomAD v4.1: 192 of 1,608,824 alleles (0.012%); highest among the groups gnomAD compares: African/African-American, 0.23%; no homozygotes.

Submissions (2):

Ambry Genetics
Classification: Uncertain significance. Last evaluated: 2021-10-12. Review status: criteria provided, single submitter. Criteria: Ambry Variant Classification Scheme 2023. Collection method: clinical testing. Allele origin: germline.

GeneDx
Classification: Uncertain significance. Last evaluated: 2016-09-29. Review status: criteria provided, single submitter. Criteria: GeneDx Variant Classification (06012015). Collection method: clinical testing. Allele origin: germline. Affected: yes.
Comment: The Q1142R variant in the CLTCL1 gene has not been reported previously as a pathogenic variant, nor as a benign variant, to our knowledge. The Q1142R variant was not observed with any significant frequency in approximately 6100 individuals of European and African American ancestry in the NHLBI Exome Sequencing Project, indicating it is not a common benign variant in these populations. The Q1142R variant is a semi-conservative amino acid substitution, which may impact secondary protein structure as these residues differ in some properties. This substitution occurs at a location within the region involved in clathrin light chain binding, at a position that is not conserved. In silico analysis is inconsistent in its predictions as to whether or not the variant is damaging to the protein structure/function. Therefore, we interpret Q1142R as a variant of uncertain significance.